The following is an entry in ClinVar:

NM_006514.4(SCN10A):c.2011A>G (p.Ile671Val)

Gene: SCN10A (sodium voltage-gated channel alpha subunit 10; minus strand). Cytogenetic location: 3p22.2.
Variant type: single nucleotide variant.
Coding change: c.2011A>G on transcript NM_006514.4 (MANE Select); coding-DNA position 2011, A replaced by G.
Protein change: p.Ile671Val; replaces isoleucine 671 with valine.
Molecular consequence: missense variant.
Genome position (GRCh38, 1-based): chr3:38,742,386, T>C on the plus strand (A>G on the coding strand, the complement: SCN10A is on the minus strand). VCF-style: chr3-38742386-T-C. GRCh37 (hg19) VCF-style: chr3-38783877-T-C.
Other names: c.2011A>G, p.Ile671Val (NM_001293306.2); c.1717A>G, p.Ile573Val (NM_001293307.2); short protein forms I573V, I671V.
Identifiers: ClinVar variation 3438079 (VCV003438079.1).

ClinVar aggregate classification (germline): Uncertain significance (1 of 4 stars; one submission).

Conditions:
Cardiovascular phenotype. Identifiers: MedGen CN230736.

gnomAD v4.1: 8 of 1,614,170 alleles (0.0005%); highest among the groups gnomAD compares: Non-Finnish European, 0.00068%; no homozygotes.

Submission:

Ambry Genetics
Classification: Uncertain significance for Cardiovascular phenotype. Last evaluated: 2024-11-05. Review status: criteria provided, single submitter. Criteria: Ambry Variant Classification Scheme 2023. Collection method: clinical testing. Allele origin: germline.
Comment: The p.I671V variant (also known as c.2011A>G), located in coding exon 13 of the SCN10A gene, results from an A to G substitution at nucleotide position 2011. The isoleucine at codon 671 is replaced by valine, an amino acid with highly similar properties. This amino acid position is well conserved in available vertebrate species. In addition, the in silico prediction for this alteration is inconclusive. The evidence for this gene-disease relationship is limited; therefore, the clinical significance of this alteration is unclear.